The following is an entry in ClinVar:

NM_006509.4(RELB):c.880G>A (p.Asp294Asn)

Gene: RELB (RELB proto-oncogene, NF-kB subunit; plus strand). Cytogenetic location: 19q13.32.
Variant type: single nucleotide variant.
Coding change: c.880G>A on transcript NM_006509.4 (MANE Select); coding-DNA position 880, G replaced by A.
Protein change: p.Asp294Asn; replaces aspartic acid 294 with asparagine.
Molecular consequence: missense variant.
Genome position (GRCh38, 1-based): chr19:45,025,731, G>A. VCF-style: chr19-45025731-G-A. GRCh37 (hg19) VCF-style: chr19-45528989-G-A.
Other names: c.871G>A, p.Asp291Asn (NM_001411087.1); short protein forms D291N, D294N.
Identifiers: ClinVar variation 2805344 (VCV002805344.3), dbSNP rs2513651584, ClinGen allele CA406300559.

ClinVar aggregate classification (germline): Uncertain significance (1 of 4 stars; one submission).

Submission:

Labcorp Genetics (formerly Invitae), Labcorp
Classification: Uncertain significance. Last evaluated: 2024-10-16. Review status: criteria provided, single submitter. Criteria: Invitae Variant Classification Sherloc (09022015). Collection method: clinical testing. Allele origin: germline.
Comment: This sequence change replaces aspartic acid, which is acidic and polar, with asparagine, which is neutral and polar, at codon 294 of the RELB protein (p.Asp294Asn). This variant is not present in population databases (gnomAD no frequency). This variant has not been reported in the literature in individuals affected with RELB-related conditions. An algorithm developed to predict the effect of missense changes on protein structure and function (PolyPhen-2) suggests that this variant is likely to be disruptive. In summary, the available evidence is currently insufficient to determine the role of this variant in disease. Therefore, it has been classified as a Variant of Uncertain Significance.